The following is an entry in ClinVar:

ClinVar aggregate classification (germline): Uncertain significance (1 of 4 stars; one submission).

gnomAD v4.1: 32 of 1,613,990 alleles (0.002%); highest among the groups gnomAD compares: Non-Finnish European, 0.0027%; no homozygotes.

Submission:

Labcorp Genetics (formerly Invitae), Labcorp
Classification: Uncertain significance. Last evaluated: 2025-12-26. Review status: criteria provided, single submitter. Criteria: Invitae Variant Classification Sherloc (09022015). Collection method: clinical testing. Allele origin: germline.
Comment: This sequence change replaces threonine, which is neutral and polar, with isoleucine, which is neutral and non-polar, at codon 202 of the DFNA5 protein (p.Thr202Ile). This variant is present in population databases (rs772624093, gnomAD 0.002%). This variant has not been reported in the literature in individuals affected with DFNA5-related conditions. Invitae Evidence Modeling of protein sequence and biophysical properties (such as structural, functional, and spatial information, amino acid conservation, physicochemical variation, residue mobility, and thermodynamic stability) indicates that this missense variant is not expected to disrupt DFNA5 protein function with a negative predictive value of 80%. In summary, the available evidence is currently insufficient to determine the role of this variant in disease. Therefore, it has been classified as a Variant of Uncertain Significance.

NM_001127453.2(GSDME):c.605C>T (p.Thr202Ile)

Gene: GSDME (gasdermin E; minus strand). Cytogenetic location: 7p15.3.
Variant type: single nucleotide variant.
Coding change: c.605C>T on transcript NM_001127453.2 (MANE Select); coding-DNA position 605, C replaced by T.
Protein change: p.Thr202Ile; replaces threonine 202 with isoleucine.
Molecular consequence: missense variant.
Genome position (GRCh38, 1-based): chr7:24,717,346, G>A on the plus strand (C>T on the coding strand, the complement: GSDME is on the minus strand). VCF-style: chr7-24717346-G-A. GRCh37 (hg19) VCF-style: chr7-24756965-G-A.
Other names: c.113C>T, p.Thr38Ile (NM_001127454.2, NM_001438059.1); c.605C>T, p.Thr202Ile (NM_004403.3); short protein forms T38I, T202I.
Identifiers: ClinVar variation 4693561 (VCV004693561.1).